The following is an entry in ClinVar:

NM_001385012.1(NBEA):c.178A>T (p.Met60Leu)

Gene: NBEA (neurobeachin; plus strand). Cytogenetic location: 13q13.3.
Variant type: single nucleotide variant.
Coding change: c.178A>T on transcript NM_001385012.1 (MANE Select); coding-DNA position 178, A replaced by T.
Protein change: p.Met60Leu; replaces methionine 60 with leucine.
Molecular consequence: missense variant.
Genome position (GRCh38, 1-based): chr13:34,942,998, A>T. VCF-style: chr13-34942998-A-T. GRCh37 (hg19) VCF-style: chr13-35517135-A-T.
Other names: c.178A>T, p.Met60Leu (NM_001379245.1, NM_015678.5); short protein forms M60L.
Identifiers: ClinVar variation 4056639 (VCV004056639.1).

ClinVar aggregate classification (germline): Uncertain significance (1 of 4 stars; one submission).

Conditions:
Neurodevelopmental disorder with or without early-onset generalized epilepsy. Identifiers: MedGen C5436914, MONDO:0030930, OMIM 619157.

Submission:

Laboratorio de Genetica e Diagnostico Molecular, Hospital Israelita Albert Einstein
Classification: Uncertain significance for Neurodevelopmental disorder with or without early-onset generalized epilepsy. Last evaluated: 2025-03-21. Review status: criteria provided, single submitter. Criteria: ACMG Guidelines, 2015. Collection method: clinical testing. Allele origin: germline. Affected: yes.
Comment: ACMG classification criteria: PM2 supporting, PP2 supporting, BP4 supporting